The following is an entry in ClinVar:

ClinVar aggregate classification (germline): Uncertain significance. Review status: criteria provided, multiple submitters, no conflicts (2 of 4 stars). 2 submissions from 2 submitters: Uncertain significance (2). Last evaluated 2025-11-01.

Conditions:
Hereditary cancer-predisposing syndrome. Also called: Tumor predisposition; Hereditary Cancer Syndrome; Hereditary neoplastic syndrome; Neoplastic Syndromes, Hereditary. Identifiers: Orphanet 140162, MedGen C0027672, MeSH D009386, MONDO:0015356.
Ataxia-telangiectasia-like disorder (ATLD). Identifiers: MedGen C1858391, MONDO:0011457.

Allele frequency attached by ClinVar (database versions not stated): gnomAD exomes below 0.00001; ExAC 0.00001.
gnomAD v4.1: 2 of 1,613,122 alleles (0.00012%); highest among the groups gnomAD compares: Admixed American, 0.0033%; no homozygotes.

Submissions (2):

Ambry Genetics
Classification: Uncertain significance for Hereditary cancer-predisposing syndrome. Last evaluated: 2025-11-01. Review status: criteria provided, single submitter. Criteria: Ambry Variant Classification Scheme 2023. Collection method: clinical testing. Allele origin: germline.
Comment: The p.K290E variant (also known as c.868A>G), located in coding exon 8 of the MRE11A gene, results from an A to G substitution at nucleotide position 868. The lysine at codon 290 is replaced by glutamic acid, an amino acid with similar properties. This amino acid position is conserved. In addition, the in silico prediction for this alteration is inconclusive. Based on the available evidence, the clinical significance of this variant remains unclear.

Labcorp Genetics (formerly Invitae), Labcorp
Classification: Uncertain significance for Ataxia-telangiectasia-like disorder. Last evaluated: 2022-07-25. Review status: criteria provided, single submitter. Criteria: Invitae Variant Classification Sherloc (09022015). Collection method: clinical testing. Allele origin: germline.
Comment: This sequence change replaces lysine, which is basic and polar, with glutamic acid, which is acidic and polar, at codon 290 of the MRE11 protein (p.Lys290Glu). In summary, the available evidence is currently insufficient to determine the role of this variant in disease. Therefore, it has been classified as a Variant of Uncertain Significance. Algorithms developed to predict the effect of missense changes on protein structure and function are either unavailable or do not agree on the potential impact of this missense change (SIFT: "Deleterious"; PolyPhen-2: "Benign"; Align-GVGD: "Class C0"). This variant has not been reported in the literature in individuals affected with MRE11-related conditions. This variant is present in population databases (rs760966006, gnomAD 0.006%).

NM_005591.4(MRE11):c.868A>G (p.Lys290Glu)

Gene: MRE11 (MRE11 double strand break repair nuclease; minus strand). Cytogenetic location: 11q21.
Variant type: single nucleotide variant.
Coding change: c.868A>G on transcript NM_005591.4 (MANE Select); coding-DNA position 868, A replaced by G.
Protein change: p.Lys290Glu; replaces lysine 290 with glutamic acid.
Molecular consequence: missense variant.
Genome position (GRCh38, 1-based): chr11:94,470,620, T>C on the plus strand (A>G on the coding strand, the complement: MRE11 is on the minus strand). VCF-style: chr11-94470620-T-C. GRCh37 (hg19) VCF-style: chr11-94203786-T-C.
Other names: c.868A>G, p.Lys290Glu (NM_001330347.2, NM_005590.4); short protein forms K290E.
Identifiers: ClinVar variation 1991883 (VCV001991883.5), dbSNP rs760966006, ClinGen allele CA6235273.